The following is an entry in ClinVar:

NM_001734.5(C1S):c.872-12T>G

Gene: C1S (complement C1s; plus strand). Cytogenetic location: 12p13.31.
Variant type: single nucleotide variant.
Coding change: c.872-12T>G on transcript NM_001734.5 (MANE Select); 12 bases into the intron before coding-DNA position 872, T replaced by G.
Molecular consequence: intron variant.
Genome position (GRCh38, 1-based): chr12:7,066,506, T>G. VCF-style: chr12-7066506-T-G. GRCh37 (hg19) VCF-style: chr12-7173810-T-G.
Other names: c.872-12T>G (NM_201442.4); c.371-12T>G (NM_001346850.2).
Identifiers: ClinVar variation 1973523 (VCV001973523.6), dbSNP rs781887596, ClinGen allele CA6423612.

ClinVar aggregate classification (germline): Uncertain significance (1 of 4 stars; one submission).

Allele frequency attached by ClinVar (database versions not stated): gnomAD exomes below 0.00001; ExAC 0.00001; gnomAD 0.00001.

Submissions (2):

Labcorp Genetics (formerly Invitae), Labcorp
Classification: Uncertain significance. Last evaluated: 2023-10-13. Review status: criteria provided, single submitter. Criteria: Invitae Variant Classification Sherloc (09022015). Collection method: clinical testing. Allele origin: germline.
Comment: This sequence change falls in intron 7 of the C1S gene. It does not directly change the encoded amino acid sequence of the C1S protein. This variant is not present in population databases (gnomAD no frequency). This variant has not been reported in the literature in individuals affected with C1S-related conditions. ClinVar contains an entry for this variant (Variation ID: 1973523). Algorithms developed to predict the effect of sequence changes on RNA splicing suggest that this variant may disrupt the consensus splice site. In summary, the available evidence is currently insufficient to determine the role of this variant in disease. Therefore, it has been classified as a Variant of Uncertain Significance.

Dr. Peter K. Rogan Lab, Western University
No classification provided (evidence only). Condition: Ovarian serous cystadenocarcinoma. Review status: no classification provided. Collection method: in vitro. Allele origin: not applicable. Functional consequence: retained intron. Not counted in ClinVar's aggregate classification.